The following is an entry in ClinVar:

ClinVar aggregate classification (germline): Uncertain significance (1 of 4 stars; one submission).

Conditions:
Frasier syndrome. Identifiers: Orphanet 347, MedGen C0950122, MeSH D052159, MONDO:0007635, OMIM 136680.
Wilms tumor 1 (WT1). Also called: Wilms tumor, somatic. Identifiers: Orphanet 654, MedGen CN033288, MONDO:0008679, OMIM 194070.
11p partial monosomy syndrome (WAGR). Also called: WAGR Complex; WAGR Spectrum Disorder; WAGR syndrome; CHROMOSOME 11p13 DELETION SYNDROME. Identifiers: Orphanet 893, MedGen C0206115, MONDO:0008681, OMIM 194072.
Drash syndrome (DDS). Also called: NEPHROPATHY, WILMS TUMOR, AND GENITAL ANOMALIES; WILMS TUMOR AND PSEUDO- OR TRUE HERMAPHRODITISM. Identifiers: Orphanet 220, MedGen C0950121, MONDO:0008682, OMIM 194080.

Submission:

Labcorp Genetics (formerly Invitae), Labcorp
Classification: Uncertain significance for Wilms tumor 1; Drash syndrome; 11p partial monosomy syndrome; Frasier syndrome. Last evaluated: 2021-12-11. Review status: criteria provided, single submitter. Criteria: Invitae Variant Classification Sherloc (09022015). Collection method: clinical testing. Allele origin: germline.
Comment: This sequence change replaces threonine, which is neutral and polar, with isoleucine, which is neutral and non-polar, at codon 377 of the WT1 protein (p.Thr377Ile). This variant is not present in population databases (gnomAD no frequency). In summary, the available evidence is currently insufficient to determine the role of this variant in disease. Therefore, it has been classified as a Variant of Uncertain Significance. Algorithms developed to predict the effect of missense changes on protein structure and function are either unavailable or do not agree on the potential impact of this missense change (SIFT: "Deleterious"; PolyPhen-2: "Possibly Damaging"; Align-GVGD: "Class C15"). This variant has not been reported in the literature in individuals affected with WT1-related conditions.

NM_024426.6(WT1):c.1145C>T (p.Thr382Ile)

Gene: WT1 (WT1 transcription factor; minus strand). Cytogenetic location: 11p13.
Variant type: single nucleotide variant.
Coding change: c.1145C>T on transcript NM_024426.6 (MANE Select); coding-DNA position 1145, C replaced by T.
Protein change: p.Thr382Ile; replaces threonine 382 with isoleucine.
Molecular consequence: missense variant. On other transcripts: 5 prime UTR variant (1), non-coding transcript variant (1).
Genome position (GRCh38, 1-based): chr11:32,396,376, G>A on the plus strand (C>T on the coding strand, the complement: WT1 is on the minus strand). VCF-style: chr11-32396376-G-A. GRCh37 (hg19) VCF-style: chr11-32417922-G-A.
Other names: c.1094C>T, p.Thr365Ile (NM_000378.6, NM_001407045.1, NM_001407048.1 and 1 more transcripts); c.494C>T, p.Thr165Ile (NM_001198551.2); c.443C>T, p.Thr148Ile (NM_001198552.2); c.-44C>T (NM_001367854.1); c.1139C>T, p.Thr380Ile (NM_001407044.1); c.1145C>T, p.Thr382Ile (NM_001407046.1, NM_024424.5); c.1022C>T, p.Thr341Ile (NM_001407047.1); c.971C>T, p.Thr324Ile (NM_001407050.1); and 2 more; short protein forms T165I, T382I, T148I, T365I, T324I, T128I, T360I, T377I.
Identifiers: ClinVar variation 1477633 (VCV001477633.7), dbSNP rs2132941453, ClinGen allele CA379960027.